The following is an entry in ClinVar:

NM_001184900.3(CARD8):c.273del (p.Asp92fs)

Gene: CARD8 (caspase recruitment domain family member 8; minus strand). Cytogenetic location: 19q13.33.
Variant type: Deletion.
Coding change: c.273del on transcript NM_001184900.3 (MANE Select); coding-DNA position 273, one base deleted (A; older notation c.273delA).
Protein change: p.Asp92fs; shifts the reading frame from aspartic acid 92.
Molecular consequence: frameshift variant. On other transcripts: 5 prime UTR variant (6), non-coding transcript variant (4).
Genome position (GRCh38, 1-based): chr19:48,234,480, T deleted on the plus strand (A on the coding strand, the reverse complement: CARD8 is on the minus strand); the first of 2 consecutive T bases (chr19:48,234,480-48,234,481); deleting either gives the same sequence. VCF-style (leftmost placement, unchanged base first): chr19-48234479-CT-C. GRCh37 (hg19) VCF-style: chr19-48737736-CT-C.
Other names: c.123del, p.Asp42fs (NM_001184901.1, NM_001351783.2, NM_001351788.2 and 2 more transcripts); c.273del, p.Asp92fs (NM_001184902.2, NM_001184903.1, NM_001351782.2); c.-2del (NM_001351784.2, NM_001351787.2, NM_001351791.2 and 2 more transcripts); c.-216del (NM_001351786.2); c.71del, p.Lys24fs (NM_001351790.2); short protein forms D42fs, D92fs, K24fs.
Identifiers: ClinVar variation 1403345 (VCV001403345.7), dbSNP rs763265152, ClinGen allele CA9548107.

ClinVar aggregate classification (germline): Uncertain significance (1 of 4 stars; one submission).

Submission:

Labcorp Genetics (formerly Invitae), Labcorp
Classification: Uncertain significance. Last evaluated: 2024-04-08. Review status: criteria provided, single submitter. Criteria: Invitae Variant Classification Sherloc (09022015). Collection method: clinical testing. Allele origin: germline.
Comment: This sequence change creates a premature translational stop signal (p.Asp42Metfs*49) in the CARD8 gene. It is expected to result in an absent or disrupted protein product. However, the current clinical and genetic evidence is not sufficient to establish whether loss-of-function variants in CARD8 cause disease. This variant is present in population databases (rs763265152, gnomAD 0.007%). This variant has not been reported in the literature in individuals affected with CARD8-related conditions. ClinVar contains an entry for this variant (Variation ID: 1403345). In summary, the available evidence is currently insufficient to determine the role of this variant in disease. Therefore, it has been classified as a Variant of Uncertain Significance.